The following is an entry in ClinVar:

ClinVar aggregate classification (germline): Pathogenic (1 of 4 stars; one submission).

Conditions:
Distal 10q deletion syndrome. Also called: Chromosome 10q26 deletion syndrome; TERMINAL CHROMOSOME 10q26 DELETION SYNDROME. Identifiers: Orphanet 96148, MedGen C2674937, MONDO:0012315, OMIM 609625.

Submission:

Broad Center for Mendelian Genomics, Broad Institute of MIT and Harvard
Classification: Pathogenic for Distal 10q deletion syndrome. Last evaluated: 2023-05-01. Review status: criteria provided, single submitter. Criteria: ACMG/ClinGen CNV Guidelines, 2019. Collection method: research. Allele origin: germline. Inheritance: Autosomal dominant inheritance. Affected: yes.
Comment: These breakpoints have been called by exome sequencing only and therefore may not reflect the true breakpoints. The patient phenotype is nonspecific, but is consistent with cases described in the literature and/or published databases with overlapping variants. There is complete overlap with the ZRANB1, DOCK1, and INPP5A genes which have not been assessed by the ClinGen Dosage Sensitivity Working Group. Though dosage sensitivity has not been established, DECIPHER has predicted the ZRANB1, DOCK1, and INPP5A genes to be haploinsufficient. Data from large population studies are insufficient to assess the frequency of this variant. In summary, this variant meets criteria to be classified as pathogenic for autosomal dominant chromosome chromosome 10q26 deletion syndrome. The ACMG/ClinGen evidence codes and points used in this curation are as follows: 1: 0 points, 2: 0.15 points, 3: 0.90 points, 4-5: 0.1 points Total; 1.15 points; Riggs 2020 (PMID: 31690835).

Single allele

Genes: ABRAXAS2 (abraxas 2, BRISC complex subunit; plus strand), ADAM12 (ADAM metallopeptidase domain 12; minus strand), ADAM8 (ADAM metallopeptidase domain 8; minus strand), ADGRA1 (adhesion G protein-coupled receptor A1; plus strand), ADGRA1-AS1 (ADGRA1 antisense RNA 1; minus strand) and 311 more. Cytogenetic location: 10q26.13-26.3.
Variant type: Deletion.
Identifiers: ClinVar variation 4819226 (VCV004819226.1).